The following is an entry in ClinVar:

ClinVar aggregate classification (germline): Conflicting classifications of pathogenicity. Review status: criteria provided, conflicting classifications (1 of 4 stars). 13 submissions from 13 submitters: Pathogenic (1); Uncertain significance (6); Likely benign (4). 2 of the submissions do not count toward it. Last evaluated 2026-05-12.

Conditions:
Autosomal dominant Alport syndrome (ATS3A). Also called: Alport syndrome dominant type; Renal failure and sensorineural hearing loss; ALPORT SYNDROME 3A, AUTOSOMAL DOMINANT. Identifiers: Orphanet 63, Orphanet 88918, MedGen C5882663, MONDO:0007086, OMIM 104200.
Autosomal recessive Alport syndrome (ATS2). Also called: COL4A3-Related Nephropathy; ALPORT SYNDROME 2, AUTOSOMAL RECESSIVE; Alport syndrome type 2; COL4A4 Alport Syndrome and Thin Basement Membrane Nephropathy. Identifiers: Orphanet 63, Orphanet 88919, MedGen C4746745, MONDO:0008762, OMIM 203780.
COL4A3-related disorder. Also called: COL4A3-Related Disorders; COL4A3-related condition.
Hematuria, benign familial, 2 (BFH2). Identifiers: MedGen C5830421, MONDO:0958186, OMIM 620320.
Alport syndrome 3b, autosomal recessive. Identifiers: MedGen C5882699, MONDO:0957811, OMIM 620536.
Alport syndrome. Also called: Hemorrhagic familial nephritis; Hemorrhagic hereditary nephritis; Congenital hereditary hematuria. Identifiers: Orphanet 63, MedGen C1567741, MONDO:0018965.

Allele frequency attached by ClinVar (database versions not stated): gnomAD exomes 0.00071 and 0.00091; ExAC 0.00076; gnomAD 0.00080 and 0.00110; ESP Exome Variant Server 0.00109; TOPMed 0.00113.
gnomAD v4.1: 1,478 of 1,613,710 alleles (0.092%); highest among the groups gnomAD compares: Non-Finnish European, 0.11%; 5 homozygotes.

Submissions (13):

Women's Health and Genetics/Laboratory Corporation of America, LabCorp
Classification: Likely benign. Last evaluated: 2026-05-12. Review status: criteria provided, single submitter. Criteria: LabCorp Variant Classification Summary - May 2015. Collection method: clinical testing. Allele origin: germline.
Comment: Variant summary: COL4A3 c.1483C>T (p.His495Tyr) results in a conservative amino acid change in the encoded protein sequence. Algorithms developed to predict the effect of missense changes on protein structure and function are either unavailable or do not agree on the potential impact of this missense change. The variant allele was found at a frequency of 0.00071 in 249502 control chromosomes, predominantly at a frequency of 0.0018 within the Ashkenazi Jewish subpopulation in the gnomAD database. The observed variant frequency within Ashkenazi Jewish control individuals in the gnomAD database exceeds the estimated maximal expected allele frequency for disease-causing variants in COL4A3. To our knowledge, no experimental evidence demonstrating its impact on protein function has been reported. ClinVar contains an entry for this variant (Variation ID: 334762). Based on the evidence outlined above, the variant was classified as likely benign.

CeGaT Center for Human Genetics Tuebingen
Classification: Uncertain significance. Last evaluated: 2026-03-01. Review status: criteria provided, single submitter. Criteria: CeGaT Center For Human Genetics Tuebingen Variant Classification Criteria Version 2. Collection method: clinical testing. Allele origin: germline. Affected: yes. Observed: 1 variant allele.

Labcorp Genetics (formerly Invitae), Labcorp
Classification: Likely benign. Last evaluated: 2026-01-17. Review status: criteria provided, single submitter. Criteria: Invitae Variant Classification Sherloc (09022015). Collection method: clinical testing. Allele origin: germline.

ARUP Laboratories, Molecular Genetics and Genomics, ARUP Laboratories
Classification: Likely benign. Last evaluated: 2025-05-29. Review status: criteria provided, single submitter. Criteria: ARUP Molecular Germline Variant Investigation Process 2024. Collection method: clinical testing. Allele origin: germline.

GeneDx
Classification: Uncertain significance. Last evaluated: 2025-05-20. Review status: criteria provided, single submitter. Criteria: GeneDx Variant Classification Process June 2021. Collection method: clinical testing. Allele origin: germline. Affected: yes.
Comment: Identified in the heterozygous state in a patient with hematuria and a family history of thin basement membrane nephropathy in published literature (PMID: 26809805), but also identified in a large number of unaffected individuals referred for genetic testing at GeneDx; Does not segregate with the disorder in the family of an affected individual in published literature (PMID: 35643372); In silico analysis suggests that this missense variant does not alter protein structure/function; Occurs in the triple helical domain at the Y position in the canonical Gly-X-Y repeat; although this variant may have an effect on normal protein folding and function, missense substitution at the Y position is not a common mechanism of disease.; This variant is associated with the following publications: (PMID: 28844315, 29924831, 34426522, 32483926, 35368817, 26809805, 35643372)

Blueprint Genetics
Classification: Uncertain significance. Last evaluated: 2024-11-21. Review status: criteria provided, single submitter. Criteria: ACMG Guidelines, 2015. Collection method: clinical testing. Allele origin: germline.

Fulgent Genetics
Classification: Likely benign for Autosomal dominant Alport syndrome; Hematuria, benign familial, 2; Alport syndrome 3b, autosomal recessive. Last evaluated: 2024-05-15. Review status: criteria provided, single submitter. Criteria: ACMG Guidelines, 2015. Collection method: clinical testing. Allele origin: germline.

Laboratory of Prof. Karen Avraham, Tel Aviv University
Classification: Pathogenic for Autosomal dominant Alport syndrome. Last evaluated: 2024-05-01. Review status: criteria provided, single submitter. Criteria: ACMG Guidelines, 2015. Collection method: research. Allele origin: germline. Affected: yes. Observed: 2 variant alleles.
Comment: Pathogenic by Deafness Variation Database based on PMID: 26809805.

Autosomal dominant; high-tone HL, normal-moderate.

Eurofins-Biomnis
Classification: Uncertain significance for Autosomal recessive Alport syndrome. Last evaluated: 2022-09-21. Review status: criteria provided, single submitter. Criteria: Accession Criteria ClinVar Biomnis. Collection method: clinical testing. Allele origin: germline. Affected: yes. Observed: 1 heterozygote.

Athena Diagnostics
Classification: Uncertain significance. Last evaluated: 2019-07-17. Review status: criteria provided, single submitter. Criteria: Athena Diagnostics Criteria. Collection method: clinical testing. Allele origin: germline.

Illumina Laboratory Services, Illumina
Classification: Uncertain significance for Alport syndrome. Last evaluated: 2018-01-12. Review status: criteria provided, single submitter. Criteria: ICSL Variant Classification Criteria 13 December 2019. Collection method: clinical testing. Allele origin: germline.

PreventionGenetics, part of Exact Sciences
Classification: Likely benign for COL4A3-related condition. Last evaluated: 2024-04-10. Review status: no assertion criteria provided. Collection method: clinical testing. Allele origin: germline. Not counted in ClinVar's aggregate classification.
Comment: This variant is classified as likely benign based on ACMG/AMP sequence variant interpretation guidelines (Richards et al. 2015 PMID: 25741868, with internal and published modifications).

Natera, Inc.
Classification: Uncertain significance for Alport syndrome. Last evaluated: 2020-06-21. Review status: no assertion criteria provided. Collection method: clinical testing. Allele origin: germline. Not counted in ClinVar's aggregate classification.

Literature cited by the submitters: PubMed 26809805 (cited by Athena Diagnostics).

NM_000091.5(COL4A3):c.1483C>T (p.His495Tyr)

Genes: COL4A3 (collagen type IV alpha 3 chain; plus strand), MFF-DT (MFF divergent transcript; minus strand). Cytogenetic location: 2q36.3.
Variant type: single nucleotide variant.
Coding change: c.1483C>T on transcript NM_000091.5 (MANE Select); coding-DNA position 1483, C replaced by T.
Protein change: p.His495Tyr; replaces histidine 495 with tyrosine.
Molecular consequence: missense variant.
Genome position (GRCh38, 1-based): chr2:227,267,067, C>T. VCF-style: chr2-227267067-C-T. GRCh37 (hg19) VCF-style: chr2-228131783-C-T.
Other names: short protein forms H495Y.
Identifiers: ClinVar variation 334762 (VCV000334762.33), dbSNP rs200510532, ClinGen allele CA2146667.